The following is an entry in ClinVar:

ClinVar aggregate classification (germline): Uncertain significance (1 of 4 stars; one submission).

Conditions:
Inborn genetic diseases. Identifiers: MedGen C0950123, MeSH D030342.

Allele frequency attached by ClinVar (database versions not stated): gnomAD exomes below 0.00001; TOPMed below 0.00001; ExAC 0.00001.

Submission:

Ambry Genetics
Classification: Uncertain significance for Inborn genetic diseases. Last evaluated: 2025-12-22. Review status: criteria provided, single submitter. Criteria: Ambry Variant Classification Scheme 2023. Collection method: clinical testing. Allele origin: germline.
Comment: The p.A228T variant (also known as c.682G>A), located in coding exon 6 of the BUB1B gene, results from a G to A substitution at nucleotide position 682. The alanine at codon 228 is replaced by threonine, an amino acid with similar properties. This amino acid position is conserved. In addition, this alteration is predicted to be tolerated by in silico analysis. Since supporting evidence is limited at this time, the clinical significance of this alteration remains unclear.

NM_001211.6(BUB1B):c.682G>A (p.Ala228Thr)

Gene: BUB1B (BUB1 mitotic checkpoint serine/threonine kinase B; plus strand). Cytogenetic location: 15q15.1.
Variant type: single nucleotide variant.
Coding change: c.682G>A on transcript NM_001211.6 (MANE Select); coding-DNA position 682, G replaced by A.
Protein change: p.Ala228Thr; replaces alanine 228 with threonine.
Molecular consequence: missense variant.
Genome position (GRCh38, 1-based): chr15:40,183,814, G>A. VCF-style: chr15-40183814-G-A. GRCh37 (hg19) VCF-style: chr15-40476015-G-A.
Other names: short protein forms A228T.
Identifiers: ClinVar variation 1755675 (VCV001755675.3), dbSNP rs764083187, ClinGen allele CA7475538.
Genomic context (GRCh38, chr15:40,183,814, plus strand): 5'-CTTGAGAAAGAAGAAGAGGAGGAAGTTTTTGAGTCTTCTGTACCACAACGAAGCACACTA[G>A]CTGAACTAAAGAGCAAAGGGAAAAAGACAGCAAGAGCTCCAATCATCCGTGTAGGAGGTG-3'
Protein context (NP_001202.5, residues 218-238): ESSVPQRSTL[Ala228Thr]ELKSKGKKTA